The following is an entry in ClinVar:

NM_000138.5(FBN1):c.3793_3799del (p.Cys1265fs)

Gene: FBN1 (fibrillin 1; minus strand). Cytogenetic location: 15q21.1.
Variant type: Deletion.
Coding change: c.3793_3799del on transcript NM_000138.5 (MANE Select); coding-DNA positions 3793 to 3799, 7 bases deleted (TGTTATG; older notation c.3793_3799delTGTTATG).
Protein change: p.Cys1265fs; shifts the reading frame from cysteine 1265.
Molecular consequence: frameshift variant.
Genome position (GRCh38, 1-based): chr15:48,483,857-48,483,863, CATAACA deleted on the plus strand (TGTTATG on the coding strand, the reverse complement: FBN1 is on the minus strand); deleting any 7 consecutive bases within chr15:48,483,857-48,483,865 gives the same sequence; the c. name uses the placement nearest the transcript's 3' end. VCF-style (leftmost placement, unchanged base first): chr15-48483856-TCATAACA-T. GRCh37 (hg19) VCF-style: chr15-48776053-TCATAACA-T.
Other names: c.3793_3799delTGTTATG (NM_000138.4); short protein forms C1265fs.
Identifiers: ClinVar variation 527172 (VCV000527172.6), dbSNP rs1555398276, ClinGen allele CA658798367.

ClinVar aggregate classification (germline): Pathogenic (1 of 4 stars; one submission).

Conditions:
Familial thoracic aortic aneurysm and aortic dissection (TAAD). Also called: Thoracic aortic aneurysms and dissections. Identifiers: Orphanet 91387, MedGen C4707243, MONDO:0019625.
Marfan syndrome (MFS). Also called: Marfan syndrome type 1; Marfan syndrome, classic; Marfan's syndrome; FBN1-Related Marfan Syndrome; MARFAN SYNDROME, TYPE I. Identifiers: Orphanet 284963, Orphanet 558, MedGen C0024796, MONDO:0007947, OMIM 154700.

Submission:

Labcorp Genetics (formerly Invitae), Labcorp
Classification: Pathogenic for Marfan syndrome; Familial thoracic aortic aneurysm and aortic dissection. Last evaluated: 2017-12-11. Review status: criteria provided, single submitter. Criteria: Invitae Variant Classification Sherloc (09022015). Collection method: clinical testing. Allele origin: germline.
Comment: For these reasons, this variant has been classified as Pathogenic. Loss-of-function variants in FBN1 are known to be pathogenic (PMID: 17657824, 19293843). This variant has not been reported in the literature in individuals with FBN1-related disease. This variant is not present in population databases (ExAC no frequency). This sequence change creates a premature translational stop signal (p.Cys1265Metfs*9) in the FBN1 gene. It is expected to result in an absent or disrupted protein product.

Literature cited by the submitters: PubMed 17657824; PubMed 19293843.